The following is an entry in ClinVar:

ClinVar aggregate classification (germline): Uncertain significance (1 of 4 stars; one submission).

Conditions:
Hyperaldosteronism, familial, type IV (HALD4). Also called: FH IV; ALDOSTERONISM, PRIMARY, AND HYPERTENSION. Identifiers: Orphanet 642671, MedGen C4310756, MONDO:0014875, OMIM 617027.
Idiopathic generalized epilepsy. Also called: EIG; Generalised epilepsy. Identifiers: MedGen C0270850, MONDO:0005579, OMIM 600669.

Submission:

Labcorp Genetics (formerly Invitae), Labcorp
Classification: Uncertain significance for Idiopathic generalized epilepsy; Hyperaldosteronism, familial, type IV. Last evaluated: 2025-09-22. Review status: criteria provided, single submitter. Criteria: Invitae Variant Classification Sherloc (09022015). Collection method: clinical testing. Allele origin: germline.
Comment: This sequence change replaces proline, which is neutral and non-polar, with serine, which is neutral and polar, at codon 2317 of the CACNA1H protein (p.Pro2317Ser). This variant is not present in population databases (gnomAD no frequency). This variant has not been reported in the literature in individuals affected with CACNA1H-related conditions. Invitae Evidence Modeling of protein sequence and biophysical properties (such as structural, functional, and spatial information, amino acid conservation, physicochemical variation, residue mobility, and thermodynamic stability) indicates that this missense variant is not expected to disrupt CACNA1H protein function with a negative predictive value of 95%. In summary, the available evidence is currently insufficient to determine the role of this variant in disease. Therefore, it has been classified as a Variant of Uncertain Significance.

NM_021098.3(CACNA1H):c.6949C>T (p.Pro2317Ser)

Gene: CACNA1H (calcium voltage-gated channel subunit alpha1 H; plus strand). Cytogenetic location: 16p13.3.
Variant type: single nucleotide variant.
Coding change: c.6949C>T on transcript NM_021098.3 (MANE Select); coding-DNA position 6949, C replaced by T.
Protein change: p.Pro2317Ser; replaces proline 2317 with serine.
Molecular consequence: missense variant.
Genome position (GRCh38, 1-based): chr16:1,220,881, C>T. VCF-style: chr16-1220881-C-T. GRCh37 (hg19) VCF-style: chr16-1270881-C-T.
Other names: c.6931C>T, p.Pro2311Ser (NM_001005407.2); short protein forms P2317S, P2311S.
Identifiers: ClinVar variation 4791149 (VCV004791149.1).